The following continues an entry in ClinVar:

NM_007294.4(BRCA1):c.2411_2412del (p.Gln804fs)

Gene: BRCA1. ClinVar aggregate classification (germline): Pathogenic. Pathogenic (1).

Submissions 8 to 28 of 30:

Ambry Genetics
Classification: Pathogenic for Hereditary cancer-predisposing syndrome. Last evaluated: 2024-05-01. Review status: criteria provided, single submitter. Criteria: Ambry Variant Classification Scheme 2023. Collection method: clinical testing. Allele origin: germline. Not counted in ClinVar's aggregate classification.
Comment: The c.2411_2412delAG pathogenic mutation, located in coding exon 9 of the BRCA1 gene, results from a deletion of two nucleotides at nucleotide positions 2411 to 2412, causing a translational frameshift with a predicted alternate stop codon (p.Q804Lfs*5). This mutation has been reported in numerous breast and/or ovarian cancer families to date (Rothfuss A et al. Cancer Res. 2000 Jan 15;60(2):390-4; Pohlreich P et al. Breast Cancer Res. 2005 Jul;7(5):R728-36; Pal T et al. Cancer. 2005 Dec;104(12):2807-16; Weber F et al. Am. J. Hum. Genet. 2006 Jun;78(6):961-72; Dworkin AM et al. Fam. Cancer. 2009 Apr;8(4):339-46; Couch FJ et al. J. Clin. Oncol. 2015 Feb;33(4):304-11; Meisel C et al. Arch. Gynecol. Obstet. 2017 May;295(5):1227-1238; Bhaskaran SP et al. Int J Cancer. 2019 08;145:962-973; Hoyer J et al. BMC Cancer. 2018 Sep;18:926). Of note, this alteration is also designated as 2530delAG in the published literature. This variant was not reported in population-based cohorts in the Genome Aggregation Database (gnomAD). In addition to the clinical data presented in the literature, this alteration is expected to result in loss of function by premature protein truncation or nonsense-mediated mRNA decay. As such, this alteration is interpreted as a disease-causing mutation.

Revvity Omics, Revvity
Classification: Pathogenic. Last evaluated: 2024-03-26. Review status: criteria provided, single submitter. Criteria: ACMG Guidelines, 2015. Collection method: clinical testing. Allele origin: germline. Not counted in ClinVar's aggregate classification.

Baylor Genetics
Classification: Pathogenic for Breast-ovarian cancer, familial, susceptibility to, 1. Last evaluated: 2024-02-11. Review status: criteria provided, single submitter. Criteria: ACMG Guidelines, 2015. Collection method: clinical testing. Allele origin: unknown. Not counted in ClinVar's aggregate classification.

Institute of Human Genetics, University of Leipzig Medical Center
Classification: Pathogenic for Familial cancer of breast. Last evaluated: 2024-01-12. Review status: criteria provided, single submitter. Criteria: ACMG Guidelines, 2015. Collection method: clinical testing. Allele origin: maternal. Inheritance: Autosomal dominant inheritance. Affected: yes. Not counted in ClinVar's aggregate classification.
Comment: Criteria applied: PVS1,PM5_STR,PM2_SUP

GeneDx
Classification: Pathogenic. Last evaluated: 2023-11-19. Review status: criteria provided, single submitter. Criteria: GeneDx Variant Classification Process June 2021. Collection method: clinical testing. Allele origin: germline. Affected: yes. Not counted in ClinVar's aggregate classification.
Comment: Frameshift variant predicted to result in protein truncation or nonsense mediated decay in a gene for which loss of function is a known mechanism of disease; Not observed at significant frequency in large population cohorts (gnomAD); Truncating variants in this gene are considered pathogenic by a well-established clinical consortium and/or database; Also known as 2530_2531del; This variant is associated with the following publications: (PMID: 24094589, 25452441, 18474296, 26681312, 16685647, 30257646, 28888541, 16168118, 10667592, 18489799, 16284991, 28324225, 28152038, 19147582, 19340607, 25400221, 18824701, 32719484, 32885271, 30702160, 33151324, 32295079, 31825140, 31853058, 35409996)

Quest Diagnostics Nichols Institute San Juan Capistrano
Classification: Pathogenic. Last evaluated: 2023-11-10. Review status: criteria provided, single submitter. Criteria: Quest Diagnostics criteria. Collection method: clinical testing. Allele origin: unknown. Not counted in ClinVar's aggregate classification.
Comment: The BRCA1 c.2411_2412del (p.Gln804Leufs*5) variant alters the translational reading frame of the BRCA1 mRNA and causes the premature termination of BRCA1 protein synthesis. This variant has been reported in the published literature in many individuals and families affected with breast/ovarian cancer (PMIDs: 16168118 (2005), 18489799 (2008), 25452441 (2015), 26681312 (2015), 28324225 (2017), 30257646 (2018), 32885271 (2021), 35409996 (2022)). This variant has not been reported in large, multi-ethnic general populations (Genome Aggregation Database). Based on the available information, this variant is classified as pathogenic.

CeGaT Center for Human Genetics Tuebingen
Classification: Pathogenic. Last evaluated: 2022-10-01. Review status: criteria provided, single submitter. Criteria: CeGaT Center For Human Genetics Tuebingen Variant Classification Criteria Version 2. Collection method: clinical testing. Allele origin: germline. Affected: yes. Observed: 1 variant allele. Not counted in ClinVar's aggregate classification.
Comment: BRCA1: PVS1, PM2

Institute for Clinical Genetics, University Hospital TU Dresden, University Hospital TU Dresden
Classification: Pathogenic. Last evaluated: 2021-11-03. Review status: criteria provided, single submitter. Criteria: ACMG Guidelines, 2015. Collection method: clinical testing. Allele origin: germline. Not counted in ClinVar's aggregate classification.

Genetics and Molecular Pathology, SA Pathology
Classification: Pathogenic for Breast-ovarian cancer, familial, susceptibility to, 1. Last evaluated: 2021-10-08. Review status: criteria provided, single submitter. Criteria: ACMG Guidelines, 2015. Collection method: clinical testing. Allele origin: germline. Affected: yes. Not counted in ClinVar's aggregate classification.
Comment: The BRCA1 c.2411_2412delAG variant is classified as Pathogenic

MGZ Medical Genetics Center
Classification: Pathogenic for Breast-ovarian cancer, familial, susceptibility to, 1. Last evaluated: 2021-08-27. Review status: criteria provided, single submitter. Criteria: ACMG Guidelines, 2015. Collection method: clinical testing. Allele origin: germline. Affected: yes. Observed: 2 variant alleles. Not counted in ClinVar's aggregate classification.
Comment: ACMG criteria applied: PVS1, PS4, PM2_SUP

Institute of Medical Genetics and Applied Genomics, University Hospital Tübingen
Classification: Pathogenic. Last evaluated: 2020-10-23. Review status: criteria provided, single submitter. Criteria: ACMG Guidelines, 2015. Collection method: clinical testing. Allele origin: germline. Inheritance: Unknown mechanism. Affected: yes. Not counted in ClinVar's aggregate classification.

GeneKor MSA
Classification: Pathogenic. Last evaluated: 2020-01-01. Review status: criteria provided, single submitter. Criteria: ACMG Guidelines, 2015. Collection method: clinical testing. Allele origin: germline. Not counted in ClinVar's aggregate classification.
Comment: This is a deletion of 2 base pairs, which results in frameshift and creation of a stop codon 5 amino acid residues later. It is expected to result in a truncated, non-functional protein. Truncating variants in the BRCA1 gene are known to be pathogenic. This variant has been also described in mutation databases as 2530delAG.

Women's Health and Genetics/Laboratory Corporation of America, LabCorp
Classification: Pathogenic for Hereditary breast and ovarian cancer syndrome. Last evaluated: 2019-05-20. Review status: criteria provided, single submitter. Criteria: LabCorp Variant Classification Summary - May 2015. Collection method: clinical testing. Allele origin: germline. Not counted in ClinVar's aggregate classification.
Comment: Variant summary: BRCA1 c.2411_2412delAG (p.Gln804LeufsX5) results in a premature termination codon, predicted to cause a truncation of the encoded protein or absence of the protein due to nonsense mediated decay, which are commonly known mechanisms for disease. Truncations downstream of this position have been classified as pathogenic by our laboratory. The variant was absent in 250542 control chromosomes (gnomAD). c.2411_2412delAG has been reported in the literature in multiple individuals affected with Hereditary Breast and Ovarian Cancer (Couch_2015, Pal_2005, Pohlreich_2003, Weber_2006, Susswein_2016). These data indicate that the variant is very likely to be associated with disease. To our knowledge, no experimental evidence demonstrating an impact on protein function has been reported. Ten ClinVar submissions from clinical diagnostic laboratories (evaluation after 2014) and one expert panel (ENIGMA) cite the variant as pathogenic. Based on the evidence outlined above, the variant was classified as pathogenic.

PreventionGenetics, part of Exact Sciences
Classification: Pathogenic. Last evaluated: 2017-09-12. Review status: criteria provided, single submitter. Criteria: ACMG Guidelines, 2015. Collection method: clinical testing. Allele origin: germline. Not counted in ClinVar's aggregate classification.

Baylor Genetics
Classification: Pathogenic for Familial cancer of breast. Last evaluated: 2017-02-23. Review status: criteria provided, single submitter. Criteria: ACMG Guidelines, 2015. Collection method: clinical testing. Allele origin: germline. Inheritance: Autosomal dominant inheritance. Affected: yes. Observed: 1 variant allele. Not counted in ClinVar's aggregate classification.

Consortium of Investigators of Modifiers of BRCA1/2 (CIMBA), c/o University of Cambridge
Classification: Pathogenic for Breast-ovarian cancer, familial, susceptibility to, 1. Last evaluated: 2015-10-02. Review status: criteria provided, single submitter. Criteria: CIMBA Mutation Classification guidelines May 2016. Collection method: clinical testing. Allele origin: germline. Not counted in ClinVar's aggregate classification.

CZECANCA consortium
Classification: Pathogenic for Endometrial carcinoma. Last evaluated: 2023-02-21. Review status: no assertion criteria provided. Collection method: clinical testing. Allele origin: germline. Affected: yes. Observed: 1 variant allele. Not counted in ClinVar's aggregate classification.

CZECANCA consortium
Classification: Pathogenic for Carcinoma of pancreas. Last evaluated: 2021-03-04. Review status: no assertion criteria provided. Collection method: case-control. Allele origin: germline. Affected: yes. Observed: 1 variant allele. Not counted in ClinVar's aggregate classification.

CZECANCA consortium
Classification: Pathogenic for Breast and/or ovarian cancer. Last evaluated: 2019-06-11. Review status: no assertion criteria provided. Collection method: clinical testing. Allele origin: germline. Affected: yes. Observed: 3 variant alleles. Not counted in ClinVar's aggregate classification.

Research Molecular Genetics Laboratory, Women's College Hospital, University of Toronto
Classification: Pathogenic for Hereditary breast ovarian cancer syndrome. Last evaluated: 2014-01-31. Review status: no assertion criteria provided. Collection method: research. Allele origin: germline. Affected: yes. Study: The Canadian Open Genetics Repository (COGR). Not counted in ClinVar's aggregate classification.

Sharing Clinical Reports Project (SCRP)
Classification: Pathogenic for Breast-ovarian cancer, familial 1. Last evaluated: 2012-05-01. Review status: no assertion criteria provided. Collection method: clinical testing. Allele origin: germline. Not counted in ClinVar's aggregate classification.